The following is an entry in ClinVar:

ClinVar aggregate classification (germline): Uncertain significance (1 of 4 stars; one submission).

gnomAD v4.1: 2 of 1,191,287 alleles (0.00017%); highest among the groups gnomAD compares: East Asian, 0.003%; no homozygotes.

Submission:

Labcorp Genetics (formerly Invitae), Labcorp
Classification: Uncertain significance. Last evaluated: 2022-04-01. Review status: criteria provided, single submitter. Criteria: Invitae Variant Classification Sherloc (09022015). Collection method: clinical testing. Allele origin: germline.
Comment: This sequence change replaces leucine, which is neutral and non-polar, with valine, which is neutral and non-polar, at codon 919 of the STAG2 protein (p.Leu919Val). In summary, the available evidence is currently insufficient to determine the role of this variant in disease. Therefore, it has been classified as a Variant of Uncertain Significance. Algorithms developed to predict the effect of missense changes on protein structure and function are either unavailable or do not agree on the potential impact of this missense change (SIFT: "Tolerated"; PolyPhen-2: "Possibly Damaging"; Align-GVGD: "Class C0"). This variant has not been reported in the literature in individuals affected with STAG2-related conditions. This variant is not present in population databases (gnomAD no frequency).

NM_001042750.2(STAG2):c.2755C>G (p.Leu919Val)

Gene: STAG2 (STAG2 cohesin complex component; plus strand). Cytogenetic location: Xq25.
Variant type: single nucleotide variant.
Coding change: c.2755C>G on transcript NM_001042750.2 (MANE Select); coding-DNA position 2755, C replaced by G.
Protein change: p.Leu919Val; replaces leucine 919 with valine.
Molecular consequence: missense variant.
Genome position (GRCh38, 1-based): chrX:124,078,038, C>G. VCF-style: chrX-124078038-C-G. GRCh37 (hg19) VCF-style: chrX-123211888-C-G.
Other names: c.2755C>G, p.Leu919Val (NM_001042749.2, NM_001042751.2, NM_001282418.2 and 13 more transcripts); short protein forms L919V.
Identifiers: ClinVar variation 2120274 (VCV002120274.4), dbSNP rs2522195495, ClinGen allele CA414279045.
Genomic context (GRCh38, chrX:124,078,038, plus strand): 5'-ATCATCAAAGAAACAATGAGTAAAACAAGGCAGATAGACAAAATTCAGTGTGCTAAGACC[C>G]TTATTCTCAGTCTGCAACAGGTAAGCATTAAGAGTACCAACTTTAGCTAACACAATTAAC-3'
Protein context (NP_001036215.1, residues 909-929): QIDKIQCAKT[Leu919Val]ILSLQQLFNE